The following is an entry in ClinVar:

ClinVar aggregate classification (germline): Likely pathogenic. Review status: criteria provided, multiple submitters, no conflicts (2 of 4 stars). 2 submissions from 2 submitters: Likely pathogenic (2). Last evaluated 2023-06-06.

Conditions:
Familial cancer of breast. Also called: BREAST CANCER, FAMILIAL; Hereditary breast cancer; hereditary breast carcinoma. Identifiers: Orphanet 227535, MedGen C0346153, MONDO:0016419, OMIM 114480. Disease mechanism: loss of function.
Fanconi anemia complementation group J. Also called: BRIP1-Related Fanconi Anemia. Identifiers: Orphanet 84, MedGen C1836860, MONDO:0012187, OMIM 609054.

Submissions (2):

Myriad Genetics, Inc.
Classification: Likely pathogenic for Familial cancer of breast. Last evaluated: 2023-06-06. Review status: criteria provided, single submitter. Criteria: Myriad Autosomal Dominant, Autosomal Recessive and X-Linked Classification Criteria (2023). Collection method: clinical testing. Allele origin: unknown.
Comment: This variant is considered likely pathogenic. This variant occurs within a consensus splice junction and is predicted to result in abnormal mRNA splicing of either an out-of-frame exon or an in-frame exon necessary for protein stability and/or normal function.

Labcorp Genetics (formerly Invitae), Labcorp
Classification: Likely pathogenic for Familial cancer of breast; Fanconi anemia complementation group J. Last evaluated: 2019-05-31. Review status: criteria provided, single submitter. Criteria: Invitae Variant Classification Sherloc (09022015). Collection method: clinical testing. Allele origin: germline.
Comment: This sequence change is a complex rearrangement that results in deletion of the genomic region encompassing part of exon 17 (c.2380-45_2402delins17) of the BRIP1 gene. It is expected to disrupt RNA splicing and likely results in an absent or disrupted protein product. This variant has not been reported in the literature in individuals with BRIP1-related conditions. In summary, the currently available evidence indicates that the variant is pathogenic, but additional data are needed to prove that conclusively. Therefore, this variant has been classified as Likely Pathogenic. Loss-of-function variants in BRIP1 are known to be pathogenic (PMID: 16116423, 17033622, 21964575).

Literature cited by the submitters: PubMed 16116423 (cited by Labcorp Genetics (formerly Invitae), Labcorp); PubMed 17033622 (cited by Labcorp Genetics (formerly Invitae), Labcorp); PubMed 21964575 (cited by Labcorp Genetics (formerly Invitae), Labcorp).

NM_032043.3(BRIP1):c.2380-45_2402delinsTTGACCATTTGAATGGT

Gene: BRIP1 (BRCA1 interacting DNA helicase 1; minus strand). Cytogenetic location: 17q23.2.
Variant type: Indel.
Coding change: c.2380-45_2402delinsTTGACCATTTGAATGGT on transcript NM_032043.3 (MANE Select); 45 bases into the intron before coding-DNA position 2380 through coding-DNA position 2402, the reference bases replaced by TTGACCATTTGAATGGT.
Molecular consequence: splice acceptor variant.
Genome position (GRCh38, 1-based): chr17:61,716,041-61,716,108, 68 bases replaced. GRCh37 (hg19): chr17:59,793,402-59,793,469.
Identifiers: ClinVar variation 945265 (VCV000945265.10), dbSNP rs2061856480, ClinGen allele CA1139665770.